The following is an entry in ClinVar:

ClinVar aggregate classification (germline): Uncertain significance (1 of 4 stars; one submission).

Conditions:
Aicardi-Goutieres syndrome 7 (AGS7). Identifiers: Orphanet 51, MedGen C3888244, MONDO:0014367, OMIM 615846.
Singleton-Merten syndrome 1 (SGMRT1). Also called: Widened medullary cavities of bone, aortic calcification, abnormal dentition, and muscular weakness; Syndrome of widened medullary cavities of the metacarpals and phalanges, aortic calcification and abnormal dentition. Identifiers: Orphanet 85191, MedGen C4225427, MONDO:0024535, OMIM 182250.

Allele frequency attached by ClinVar (database versions not stated): ExAC 0.00006; TOPMed below 0.00001; gnomAD 0.00001.
gnomAD v4.1: 21 of 1,613,242 alleles (0.0013%); highest among the groups gnomAD compares: Middle Eastern, 0.016%; no homozygotes.

Submission:

Labcorp Genetics (formerly Invitae), Labcorp
Classification: Uncertain significance for Aicardi-Goutieres syndrome 7; Singleton-Merten syndrome 1. Last evaluated: 2025-05-22. Review status: criteria provided, single submitter. Criteria: Invitae Variant Classification Sherloc (09022015). Collection method: clinical testing. Allele origin: germline.
Comment: This sequence change replaces glutamic acid, which is acidic and polar, with valine, which is neutral and non-polar, at codon 842 of the IFIH1 protein (p.Glu842Val). This variant is present in population databases (rs775472922, gnomAD 0.02%). This variant has not been reported in the literature in individuals affected with IFIH1-related conditions. ClinVar contains an entry for this variant (Variation ID: 2935958). Invitae Evidence Modeling of protein sequence and biophysical properties (such as structural, functional, and spatial information, amino acid conservation, physicochemical variation, residue mobility, and thermodynamic stability) has been performed for this missense variant. However, the output from this modeling did not meet the statistical confidence thresholds required to predict the impact of this variant on IFIH1 protein function. In summary, the available evidence is currently insufficient to determine the role of this variant in disease. Therefore, it has been classified as a Variant of Uncertain Significance.

NM_022168.4(IFIH1):c.2525A>T (p.Glu842Val)

Gene: IFIH1 (interferon induced with helicase C domain 1; minus strand). Cytogenetic location: 2q24.2.
Variant type: single nucleotide variant.
Coding change: c.2525A>T on transcript NM_022168.4 (MANE Select); coding-DNA position 2525, A replaced by T.
Protein change: p.Glu842Val; replaces glutamic acid 842 with valine.
Molecular consequence: missense variant.
Genome position (GRCh38, 1-based): chr2:162,272,317, T>A on the plus strand (A>T on the coding strand, the complement: IFIH1 is on the minus strand). VCF-style: chr2-162272317-T-A. GRCh37 (hg19) VCF-style: chr2-163128827-T-A.
Other names: short protein forms E842V.
Identifiers: ClinVar variation 2935958 (VCV002935958.3), dbSNP rs775472922, ClinGen allele CA1934153.